The following is an entry in ClinVar:

ClinVar aggregate classification (germline): Benign (1 of 4 stars; one submission).

Allele frequency attached by ClinVar (database versions not stated): gnomAD exomes 0.09653; ExAC 0.11055; 1000 Genomes Project 0.12141; 1000 Genomes Project 30x 0.12773; ESP Exome Variant Server 0.12829; gnomAD 0.12907; TOPMed 0.13030.
gnomAD v4.1: 160,295 of 1,610,282 alleles (10%); highest among the groups gnomAD compares: African/African-American, 19%; 8,911 homozygotes.

Submission:

Unidad de Genómica Garrahan, Hospital de Pediatría Garrahan
Classification: Benign. Last evaluated: 2023-11-12. Review status: criteria provided, single submitter. Criteria: ACMG Guidelines, 2015. Collection method: clinical testing. Allele origin: germline. Affected: no. Observed: 25 variant alleles.
Comment: This variant is classified as Benign based on local population frequency. This variant was detected in 26% of patients studied by a panel of primary immunodeficiencies. Number of patients: 25. Only high quality variants are reported.

NM_001013838.3(CARMIL2):c.187-42G>A

Gene: CARMIL2 (capping protein regulator and myosin 1 linker 2; plus strand). Cytogenetic location: 16q22.1.
Variant type: single nucleotide variant.
Coding change: c.187-42G>A on transcript NM_001013838.3 (MANE Select); 42 bases into the intron before coding-DNA position 187, G replaced by A.
Molecular consequence: intron variant.
Genome position (GRCh38, 1-based): chr16:67,645,976, G>A. VCF-style: chr16-67645976-G-A. GRCh37 (hg19) VCF-style: chr16-67679879-G-A.
Other names: c.187-42G>A (NM_001317026.3).
Identifiers: ClinVar variation 2628253 (VCV002628253.2), dbSNP rs73597580, ClinGen allele CA8112970.